The following is an entry in ClinVar:

ClinVar aggregate classification (germline): Uncertain significance (1 of 4 stars; one submission).

Submission:

Ambry Genetics
Classification: Uncertain significance. Last evaluated: 2026-09-08. Review status: criteria provided, single submitter. Criteria: Ambry Variant Classification Scheme 2023. Collection method: clinical testing. Allele origin: germline.
Comment: The p.K471N variant (also known as c.1413G>C), located in coding exon 8 of the PALLD gene, results from a G to C substitution at nucleotide position 1413. The lysine at codon 471 is replaced by asparagine, an amino acid with similar properties. This amino acid position is conserved. In addition, this alteration is predicted to be tolerated by in silico analysis. Based on the available evidence, the clinical significance of this variant remains unclear.

NM_001166108.2(PALLD):c.2925G>C (p.Lys975Asn)

Genes: CBR4 (carbonyl reductase 4; minus strand), PALLD (palladin, cytoskeletal associated protein; plus strand). Cytogenetic location: 4q32.3.
Variant type: single nucleotide variant.
Coding change: c.2925G>C on transcript NM_001166108.2 (MANE Select); coding-DNA position 2925, G replaced by C.
Protein change: p.Lys975Asn; replaces lysine 975 with asparagine.
Molecular consequence: missense variant.
Genome position (GRCh38, 1-based): chr4:168,921,608, G>C. VCF-style: chr4-168921608-G-C. GRCh37 (hg19) VCF-style: chr4-169842759-G-C.
Other names: c.1728G>C, p.Lys576Asn (NM_001166109.2); c.1413G>C, p.Lys471Asn (NM_001166110.2); c.753G>C, p.Lys251Asn (NM_001367567.1, NM_001367569.1); c.804G>C, p.Lys268Asn (NM_001367568.1, NM_001367570.1); c.2874G>C, p.Lys958Asn (NM_016081.4); short protein forms K471N, K958N, K268N, K975N, K251N, K576N.
Identifiers: ClinVar variation 5026259 (VCV005026259.1).